The following is an entry in ClinVar:

NM_000143.4(FH):c.1531T>A (p.Ter511Arg)

Gene: FH (fumarate hydratase; minus strand). Cytogenetic location: 1q43.
Variant type: single nucleotide variant.
Coding change: c.1531T>A on transcript NM_000143.4 (MANE Select); coding-DNA position 1531, T replaced by A.
Protein change: p.Ter511Arg.
Molecular consequence: stop lost.
Genome position (GRCh38, 1-based): chr1:241,497,830, A>T on the plus strand (T>A on the coding strand, the complement: FH is on the minus strand). VCF-style: chr1-241497830-A-T. GRCh37 (hg19) VCF-style: chr1-241661130-A-T.
Identifiers: ClinVar variation 1692241 (VCV001692241.1), dbSNP rs2147911172, ClinGen allele CA345449899.

ClinVar aggregate classification (germline): Uncertain significance (1 of 4 stars; one submission).

Conditions:
Hereditary cancer-predisposing syndrome. Also called: Hereditary Cancer Syndrome; Hereditary neoplastic syndrome; Neoplastic Syndromes, Hereditary; Tumor predisposition. Identifiers: Orphanet 140162, MedGen C0027672, MeSH D009386, MONDO:0015356.

gnomAD v4.1: 3 of 1,601,138 alleles (0.00019%); highest among the groups gnomAD compares: African/African-American, 0.0027%; no homozygotes.

Submission:

Sema4
Classification: Uncertain significance for Hereditary cancer-predisposing syndrome. Last evaluated: 2022-03-01. Review status: criteria provided, single submitter. Criteria: Sema4 Curation Guidelines. Collection method: curation. Allele origin: germline.
Comment: The FH c.1531T>A (p.X511RextX3, also known as p.*511Rext*3 and p.Ter511ArgextTer3) variant has not been reported in the literature to our knowledge. This variant leads to the loss of the termination codon and extends the protein, thereby possibly disrupting the protein function. It was not observed in the Genome Aggregation Database. The variant has not been reported in ClinVar. The evidence is insufficient to meet ACMG/AMP criteria for classifying the variant as benign or pathogenic. Thus, the clinical significance of this variant is currently uncertain.